The following is an entry in ClinVar:

NM_001042492.3(NF1):c.289-1G>A

Gene: NF1 (neurofibromin 1; plus strand). Cytogenetic location: 17q11.2.
Variant type: single nucleotide variant.
Coding change: c.289-1G>A on transcript NM_001042492.3 (MANE Select); the canonical splice acceptor site of the intron before coding-DNA position 289, G replaced by A.
Molecular consequence: splice acceptor variant.
Genome position (GRCh38, 1-based): chr17:31,163,185, G>A. VCF-style: chr17-31163185-G-A. GRCh37 (hg19) VCF-style: chr17-29490203-G-A.
Other names: c.289-1G>A (NM_000267.4, NM_001128147.3).
Identifiers: ClinVar variation 1712537 (VCV001712537.8), dbSNP rs1185268163, ClinGen allele CA398981618.

ClinVar aggregate classification (germline): Conflicting classifications of pathogenicity. Review status: criteria provided, conflicting classifications (1 of 4 stars). 2 submissions from 2 submitters: Pathogenic (1); Uncertain significance (1). Last evaluated 2024-10-15.

Conditions:
Neurofibromatosis, type 1 (NF1). Also called: Peripheral type neurofibromatosis; Neurofibromatosis, type I; NEUROFIBROMATOSIS, TYPE I, SOMATIC; VON RECKLINGHAUSEN DISEASE. Identifiers: Orphanet 636, MedGen C0027831, MONDO:0018975, OMIM 162200. Disease mechanism: loss of function.

Allele frequency attached by ClinVar (database versions not stated): gnomAD 0.00001.
gnomAD v4.1: 1 of 1,613,694 alleles (0.000062%); highest among the groups gnomAD compares: Non-Finnish European, 0.000085%; no homozygotes.

Submissions (2):

Labcorp Genetics (formerly Invitae), Labcorp
Classification: Pathogenic for Neurofibromatosis, type 1. Last evaluated: 2024-10-15. Review status: criteria provided, single submitter. Criteria: Invitae Variant Classification Sherloc (09022015). Collection method: clinical testing. Allele origin: germline.
Comment: This sequence change affects an acceptor splice site in intron 3 of the NF1 gene. It is expected to disrupt RNA splicing. Variants that disrupt the donor or acceptor splice site typically lead to a loss of protein function (PMID: 16199547), and loss-of-function variants in NF1 are known to be pathogenic (PMID: 10712197, 23913538). This variant is present in population databases (no rsID available, gnomAD 0.007%). Disruption of this splice site has been observed in individual(s) with NF1-related conditions (PMID: 18800150). ClinVar contains an entry for this variant (Variation ID: 1712537). Studies have shown that disruption of this splice site is associated with altered splicing resulting in multiple RNA products (internal data). For these reasons, this variant has been classified as Pathogenic.

GeneDx
Classification: Uncertain significance. Last evaluated: 2024-07-15. Review status: criteria provided, single submitter. Criteria: GeneDx Variant Classification Process June 2021. Collection method: clinical testing. Allele origin: germline.
Comment: Canonical splice site variant predicted to result in a null allele in a gene for which loss of function is a known mechanism of disease; Has not been previously published as pathogenic or benign to our knowledge; This variant is associated with the following publications: (PMID: 18800150)

Literature cited by the submitters: PubMed 16199547 (cited by Labcorp Genetics (formerly Invitae), Labcorp); PubMed 10712197 (cited by Labcorp Genetics (formerly Invitae), Labcorp); PubMed 23913538 (cited by Labcorp Genetics (formerly Invitae), Labcorp); PubMed 18800150 (cited by Labcorp Genetics (formerly Invitae), Labcorp).